The following is an entry in ClinVar:

NM_006030.4(CACNA2D2):c.427A>T (p.Asn143Tyr)

Gene: CACNA2D2 (calcium voltage-gated channel auxiliary subunit alpha2delta 2; minus strand). Cytogenetic location: 3p21.31.
Variant type: single nucleotide variant.
Coding change: c.427A>T on transcript NM_006030.4 (MANE Select); coding-DNA position 427, A replaced by T.
Protein change: p.Asn143Tyr; replaces asparagine 143 with tyrosine.
Molecular consequence: missense variant.
Genome position (GRCh38, 1-based): chr3:50,394,147, T>A on the plus strand (A>T on the coding strand, the complement: CACNA2D2 is on the minus strand). VCF-style: chr3-50394147-T-A. GRCh37 (hg19) VCF-style: chr3-50431578-T-A.
Other names: c.427A>T, p.Asn143Tyr (NM_001005505.3, NM_001174051.3, NM_001410768.1); c.220A>T, p.Asn74Tyr (NM_001291101.1); short protein forms N143Y, N74Y.
Identifiers: ClinVar variation 1961023 (VCV001961023.4), dbSNP rs1232467711, ClinGen allele CA352948666.

ClinVar aggregate classification (germline): Uncertain significance (1 of 4 stars; one submission).

Conditions:
Developmental and epileptic encephalopathy. Identifiers: MedGen C5779964, MONDO:0100620.

Allele frequency attached by ClinVar (database versions not stated): gnomAD exomes 0.00001.
gnomAD v4.1: 10 of 1,614,054 alleles (0.00062%); highest among the groups gnomAD compares: Non-Finnish European, 0.00076%; no homozygotes.

Submission:

Labcorp Genetics (formerly Invitae), Labcorp
Classification: Uncertain significance for Early-infantile DEE. Last evaluated: 2024-02-19. Review status: criteria provided, single submitter. Criteria: Invitae Variant Classification Sherloc (09022015). Collection method: clinical testing. Allele origin: germline.
Comment: This sequence change replaces asparagine, which is neutral and polar, with tyrosine, which is neutral and polar, at codon 143 of the CACNA2D2 protein (p.Asn143Tyr). This variant is present in population databases (no rsID available, gnomAD 0.0009%). This variant has not been reported in the literature in individuals affected with CACNA2D2-related conditions. ClinVar contains an entry for this variant (Variation ID: 1961023). An algorithm developed to predict the effect of missense changes on protein structure and function (PolyPhen-2) suggests that this variant¬†is likely to be tolerated. In summary, the available evidence is currently insufficient to determine the role of this variant in disease. Therefore, it has been classified as a Variant of Uncertain Significance.